The following is an entry in ClinVar:

NM_017950.4(CCDC40):c.3408C>T (p.Leu1136=)

Gene: CCDC40 (coiled-coil domain 40 molecular ruler complex subunit; plus strand). Cytogenetic location: 17q25.3.
Variant type: single nucleotide variant.
Coding change: c.3408C>T on transcript NM_017950.4 (MANE Select); coding-DNA position 3408, C replaced by T.
Protein change: p.Leu1136=; no amino-acid change (leucine 1136 retained).
Molecular consequence: synonymous variant.
Genome position (GRCh38, 1-based): chr17:80,099,754, C>T. VCF-style: chr17-80099754-C-T. GRCh37 (hg19) VCF-style: chr17-78073553-C-T.
Other names: p.Leu1136=.
Identifiers: ClinVar variation 195524 (VCV000195524.35), dbSNP rs186591691, ClinGen allele CA201807.

ClinVar aggregate classification (germline): Benign/Likely benign. Review status: criteria provided, multiple submitters, no conflicts (2 of 4 stars). 8 submissions from 8 submitters: Benign (5); Likely benign (3). Last evaluated 2026-01-26.

Conditions:
Primary ciliary dyskinesia. Also called: Ciliary dyskinesia. Identifiers: Orphanet 244, MedGen C0008780, MONDO:0016575, HP:0012265.
Primary ciliary dyskinesia 15. Also called: CILIARY DYSKINESIA, PRIMARY, 15, WITH OR WITHOUT SITUS INVERSUS. Identifiers: Orphanet 244, MedGen C3151137, MONDO:0013435, OMIM 613808.

Allele frequency attached by ClinVar (database versions not stated): ExAC 0.00110; ESP Exome Variant Server 0.00307; gnomAD 0.00309; TOPMed 0.00381; 1000 Genomes Project 0.00399; 1000 Genomes Project 30x 0.00422.
gnomAD v4.1: 1,087 of 1,613,398 alleles (0.067%); highest among the groups gnomAD compares: African/African-American, 1.2%; 4 homozygotes.

Submissions (8):

Labcorp Genetics (formerly Invitae), Labcorp
Classification: Benign for Primary ciliary dyskinesia. Last evaluated: 2026-01-26. Review status: criteria provided, single submitter. Criteria: Invitae Variant Classification Sherloc (09022015). Collection method: clinical testing. Allele origin: germline.

Mayo Clinic Laboratories, Mayo Clinic
Classification: Benign. Last evaluated: 2025-03-06. Review status: criteria provided, single submitter. Criteria: ACMG Guidelines, 2015. Collection method: clinical testing. Allele origin: germline. Observed: 1 variant allele.
Comment: BS1, BS2, BP4, BP7

Blueprint Genetics
Classification: Likely benign. Last evaluated: 2024-11-06. Review status: criteria provided, single submitter. Criteria: ACMG Guidelines, 2015. Collection method: clinical testing. Allele origin: germline.

CeGaT Center for Human Genetics Tuebingen
Classification: Likely benign. Last evaluated: 2024-11-01. Review status: criteria provided, single submitter. Criteria: CeGaT Center For Human Genetics Tuebingen Variant Classification Criteria Version 2. Collection method: clinical testing. Allele origin: germline. Affected: yes. Observed: 1 variant allele.
Comment: CCDC40: BP4, BP7, BS1

ARUP Laboratories, Molecular Genetics and Genomics, ARUP Laboratories
Classification: Benign for Primary ciliary dyskinesia 15. Last evaluated: 2023-08-30. Review status: criteria provided, single submitter. Criteria: ARUP Molecular Germline Variant Investigation Process 2024. Collection method: clinical testing. Allele origin: germline.

Ambry Genetics
Classification: Benign for Primary ciliary dyskinesia. Last evaluated: 2021-10-04. Review status: criteria provided, single submitter. Criteria: Ambry Variant Classification Scheme 2023. Collection method: clinical testing. Allele origin: germline.

GeneDx
Classification: Likely benign. Last evaluated: 2021-05-06. Review status: criteria provided, single submitter. Criteria: GeneDx Variant Classification Process June 2021. Collection method: clinical testing. Allele origin: germline. Affected: yes.
Comment: See Variant Classification Assertion Criteria.

Eurofins Ntd Llc (ga)
Classification: Benign. Last evaluated: 2014-05-07. Review status: criteria provided, single submitter. Criteria: EGL Classification Definitions 2015. Collection method: clinical testing. Allele origin: germline. Observed: 1 variant allele, 1 heterozygote.